The following is an entry in ClinVar:

NM_001042750.2(STAG2):c.3430A>G (p.Met1144Val)

Gene: STAG2 (STAG2 cohesin complex component; plus strand). Cytogenetic location: Xq25.
Variant type: single nucleotide variant.
Coding change: c.3430A>G on transcript NM_001042750.2 (MANE Select); coding-DNA position 3430, A replaced by G.
Protein change: p.Met1144Val; replaces methionine 1144 with valine.
Molecular consequence: missense variant.
Genome position (GRCh38, 1-based): chrX:124,090,727, A>G. VCF-style: chrX-124090727-A-G. GRCh37 (hg19) VCF-style: chrX-123224577-A-G.
Other names: c.3430A>G (NM_001042749.1); c.3430A>G, p.Met1144Val (NM_001042749.2, NM_001042751.2, NM_001282418.2 and 13 more transcripts); short protein forms M1144V.
Identifiers: ClinVar variation 1486833 (VCV001486833.9), dbSNP rs147520054, ClinGen allele CA10509157.

ClinVar aggregate classification (germline): Uncertain significance. Review status: criteria provided, multiple submitters, no conflicts (2 of 4 stars). 2 submissions from 2 submitters: Uncertain significance (2). Last evaluated 2023-11-10.

Allele frequency attached by ClinVar (database versions not stated): ExAC 0.00003; TOPMed 0.00003; gnomAD exomes 0.00004; gnomAD 0.00007 and 0.00008; ESP Exome Variant Server 0.00019.

Submissions (2):

Revvity Omics, Revvity
Classification: Uncertain significance. Last evaluated: 2023-11-10. Review status: criteria provided, single submitter. Criteria: ACMG Guidelines, 2015. Collection method: clinical testing. Allele origin: germline.

Labcorp Genetics (formerly Invitae), Labcorp
Classification: Uncertain significance. Last evaluated: 2022-07-05. Review status: criteria provided, single submitter. Criteria: Invitae Variant Classification Sherloc (09022015). Collection method: clinical testing. Allele origin: germline.
Comment: This variant is present in population databases (rs147520054, gnomAD 0.01%), including at least one homozygous and/or hemizygous individual. In summary, the available evidence is currently insufficient to determine the role of this variant in disease. Therefore, it has been classified as a Variant of Uncertain Significance. Algorithms developed to predict the effect of sequence changes on RNA splicing suggest that this variant may create or strengthen a splice site. Algorithms developed to predict the effect of missense changes on protein structure and function are either unavailable or do not agree on the potential impact of this missense change (SIFT: "Deleterious"; PolyPhen-2: "Benign"; Align-GVGD: "Class C0"). ClinVar contains an entry for this variant (Variation ID: 1486833). This variant has not been reported in the literature in individuals affected with STAG2-related conditions. This sequence change replaces methionine, which is neutral and non-polar, with valine, which is neutral and non-polar, at codon 1144 of the STAG2 protein (p.Met1144Val).